The following is an entry in ClinVar:

ClinVar aggregate classification (germline): Pathogenic/Likely pathogenic. Review status: criteria provided, multiple submitters, no conflicts (2 of 4 stars). 11 submissions from 10 submitters: Pathogenic (6); Likely pathogenic (3). 2 of the submissions do not count toward it. Last evaluated 2026-02-23.

Conditions:
CFTR-related disorder (CFTR-RD). Also called: CFTR-related disorders; CFTR-related condition. Identifiers: MedGen C5924204, MONDO:7770004.
Cystic fibrosis (CF). Also called: MUCOVISCIDOSIS. Identifiers: Orphanet 586, MedGen C0010674, MONDO:0009061, OMIM 219700. Disease mechanism: loss of function.
Congenital bilateral aplasia of vas deferens from CFTR mutation (CBAVD). Identifiers: Orphanet 48, MedGen C0403814, MONDO:0010178, OMIM 277180. Disease mechanism: loss of function.
Bronchiectasis with or without elevated sweat chloride 1 (BESC1). Also called: Cystic Fibrosis-Like Syndrome. Identifiers: Orphanet 60033, MedGen C2749757, MONDO:0008887, OMIM 211400.

Allele frequency attached by ClinVar (database versions not stated): gnomAD exomes below 0.00001.
gnomAD v4.1: 2 of 1,613,586 alleles (0.00012%); highest among the groups gnomAD compares: Admixed American, 0.0033%; no homozygotes.

Submissions (11):

Otogenetics
Classification: Likely pathogenic for Cystic fibrosis; Congenital bilateral aplasia of vas deferens from CFTR mutation. Last evaluated: 2026-02-23. Review status: criteria provided, single submitter. Criteria: ACMG Guidelines, 2015. Collection method: clinical testing. Allele origin: germline.
Comment: PM2: Maximum gnomAD MAF of 0.0029% in American (AMR) subpopulation (<0.296% threshold); PM3_Strong: Variant reported in homozygous state in one affected individual and in trans with 3 pathogenic variants in 3 individuals affected with cystic fibrosis and CF-related disorders (PMID: 26208274, 30232781, 31900120); PP3: In-silico models predict deleterious effect (Revel = 0.73, BayesDel = 0.32)

Natera, Inc.
Classification: Pathogenic for CFTR-related disorders. Last evaluated: 2025-09-24. Review status: criteria provided, single submitter. Criteria: Natera Variant Classification Schema (03/2026). Collection method: clinical testing. Allele origin: germline.
Comment: The c.3299A>C variant in CFTR is a missense variant predicted to cause substitution of glutamine to proline at amino acid 1100. This variant is rare in the general population with a frequency below the threshold expected for the associated phenotype(s). This variant has been observed in one or more individuals affected with the associated recessive disease, as either homozygous or compound heterozygous with a second variant (PMID: 30232781, 25688174). Given the available evidence, this variant is classified as Pathogenic.

Ambry Genetics
Classification: Pathogenic for Cystic fibrosis. Last evaluated: 2024-06-13. Review status: criteria provided, single submitter. Criteria: Ambry Variant Classification Scheme 2023. Collection method: clinical testing. Allele origin: germline.
Comment: The p.Q1100P pathogenic mutation (also known as c.3299A>C), located in coding exon 20 of the CFTR gene, results from an A to C substitution at nucleotide position 3299. The glutamine at codon 1100 is replaced by proline, an amino acid with similar properties. This variant has been identified in the homozygous state and in conjunction with other CFTR variant(s) in individuals with features consistent with cystic fibrosis (Guardiano M et al. Rev Port Pneumol, 2005;11:381-406; Essawi O et al. Dis. Markers, 2015;2015:458653; Mota LR et al. Mol Biol Rep, 2018 Dec;45:2045-2051; Ambry internal data). In multiple assays testing CFTR function, this variant showed functionally abnormal results (Ramalho SS et al. Int J Mol Sci, 2021 Dec;23:; Bihler H et al. J Cyst Fibros, 2024 Feb;:). This amino acid position is highly conserved in available vertebrate species. In addition, this alteration is predicted to be deleterious by in silico analysis. This variant is considered to be rare based on population cohorts in the Genome Aggregation Database (gnomAD). Based on the supporting evidence, this variant is interpreted as a disease-causing mutation.

Baylor Genetics
Classification: Pathogenic for Bronchiectasis with or without elevated sweat chloride 1. Last evaluated: 2024-03-13. Review status: criteria provided, single submitter. Criteria: ACMG Guidelines, 2015. Collection method: clinical testing. Allele origin: unknown.

Labcorp Genetics (formerly Invitae), Labcorp
Classification: Pathogenic for Cystic fibrosis. Last evaluated: 2024-01-25. Review status: criteria provided, single submitter. Criteria: Invitae Variant Classification Sherloc (09022015). Collection method: clinical testing. Allele origin: germline.
Comment: This sequence change replaces glutamine, which is neutral and polar, with proline, which is neutral and non-polar, at codon 1100 of the CFTR protein (p.Gln1100Pro). This variant is present in population databases (rs397508535, gnomAD 0.003%). This missense change has been observed in individual(s) with cystic fibrosis (PMID: 16240056, 26208274, 27145507, 30232781). ClinVar contains an entry for this variant (Variation ID: 53711). Advanced modeling of protein sequence and biophysical properties (such as structural, functional, and spatial information, amino acid conservation, physicochemical variation, residue mobility, and thermodynamic stability) performed at Invitae indicates that this missense variant is expected to disrupt CFTR protein function with a positive predictive value of 80%. This variant disrupts the p.Gln1100 amino acid residue in CFTR. Other variant(s) that disrupt this residue have been observed in individuals with CFTR-related conditions (PMID: 23240968), which suggests that this may be a clinically significant amino acid residue. For these reasons, this variant has been classified as Pathogenic.

Women's Health and Genetics/Laboratory Corporation of America, LabCorp
Classification: Pathogenic for Cystic fibrosis. Last evaluated: 2023-12-14. Review status: criteria provided, single submitter. Criteria: LabCorp Variant Classification Summary - May 2015. Collection method: clinical testing. Allele origin: germline.
Comment: Variant summary: CFTR c.3299A>C (p.Gln1100Pro) results in a non-conservative amino acid change located in the ABC transporter type 1, transmembrane domain of the encoded protein sequence. Four of four in-silico tools predict a damaging effect of the variant on protein function. The variant allele was found at a frequency of 4e-06 in 251108 control chromosomes. c.3299A>C has been reported in the literature in multiple individuals affected with Cystic Fibrosis (Mota_2018, Siryani_2015, Alonso_2007, Chillon_1994). These data indicate that the variant is very likely to be associated with disease. To our knowledge, no experimental evidence demonstrating an impact on protein function has been reported. Five submitters have cited clinical-significance assessments for this variant to ClinVar after 2014: four submitters have classified the variant as likely pathogenic/pathogenic while one classified as VUS. Based on the evidence outlined above, the variant was classified as pathogenic.

Johns Hopkins Genomics, Johns Hopkins University
Classification: Likely pathogenic for Cystic fibrosis. Last evaluated: 2023-09-13. Review status: criteria provided, single submitter. Criteria: ACMG Guidelines, 2015. Collection method: clinical testing. Allele origin: germline.
Comment: CFTR c.3299A>C has been identified in multiple individuals with elevated sweat chloride concentration and features of cystic fibrosis (CF) who also have a second CF-causing CFTR variant, although the phase of these variants has not been confirmed. This CFTR variant (rs397508535) is rare (<0.1%) in a large population dataset (gnomADv2.1.1: 1/251108 total alleles; 0.0004%; no homozygotes) and has been reported in ClinVar (Variation ID: 53711). A single peer-reviewed functional study indicates that this variant may impact CFTR trafficking. The glutamine residue at this position is evolutionarily conserved across most species assessed, but not fish. We consider CFTR c.3299A>C to be likely pathogenic.

Mendelics
Classification: Pathogenic for Cystic fibrosis. Last evaluated: 2018-11-05. Review status: criteria provided, single submitter. Criteria: Mendelics Assertion Criteria 2017. Collection method: clinical testing. Allele origin: unknown. Affected: yes.

Baylor Genetics
Classification: Likely pathogenic for Congenital bilateral aplasia of vas deferens from CFTR mutation; Cystic fibrosis. Review status: criteria provided, single submitter. Criteria: ACMG Guidelines, 2015. Collection method: clinical testing. Allele origin: germline.

Counsyl
Classification: Likely pathogenic for Cystic fibrosis. Last evaluated: 2017-01-05. Review status: no assertion criteria provided. Collection method: clinical testing. Allele origin: unknown. Not counted in ClinVar's aggregate classification.

ClinVar Staff, National Center for Biotechnology Information (NCBI)
No classification provided. Condition: CFTR-related disorders. Review status: no classification provided. Collection method: literature only. Allele origin: germline. Affected: yes. Not counted in ClinVar's aggregate classification.

Literature cited by the submitters: PubMed 26208274 (cited by 5 submitters); PubMed 30232781 (cited by 6 submitters); PubMed 31900120 (cited by Otogenetics and Johns Hopkins Genomics, Johns Hopkins University); PubMed 25688174 (cited by Natera, Inc. and Ambry Genetics); PubMed 15365999 (cited by Ambry Genetics); PubMed 16240056 (cited by 3 submitters); PubMed 16980811 (cited by Ambry Genetics and Counsyl); PubMed 17331079 (cited by 4 submitters); PubMed 35008443 (cited by Ambry Genetics and Johns Hopkins Genomics, Johns Hopkins University); PubMed 37006619 (cited by Ambry Genetics); PubMed 38388235 (cited by Ambry Genetics); PubMed 7513293 (cited by 3 submitters); PubMed 27145507 (cited by Labcorp Genetics (formerly Invitae), Labcorp and Counsyl); PubMed 23240968 (cited by Labcorp Genetics (formerly Invitae), Labcorp).

NM_000492.4(CFTR):c.3299A>C (p.Gln1100Pro)

Genes: CFTR (CF transmembrane conductance regulator; plus strand), CFTR-AS2 (CFTR antisense RNA 2; minus strand), LOC111674472 (DNase I hypersensitive sites in introns 16 and 17a of CFTR; plus strand). Cytogenetic location: 7q31.2.
Variant type: single nucleotide variant.
Coding change: c.3299A>C on transcript NM_000492.4 (MANE Select); coding-DNA position 3299, A replaced by C.
Protein change: p.Gln1100Pro; replaces glutamine 1100 with proline.
Molecular consequence: missense variant.
Genome position (GRCh38, 1-based): chr7:117,611,740, A>C. VCF-style: chr7-117611740-A-C. GRCh37 (hg19) VCF-style: chr7-117251794-A-C.
Other names: short protein forms Q1100P.
Identifiers: ClinVar variation 53711 (VCV000053711.23), dbSNP rs397508535, ClinGen allele CA327135.